The following is an entry in ClinVar:

ClinVar aggregate classification (germline): Uncertain significance. Review status: criteria provided, single submitter (1 of 4 stars). 2 submissions from 2 submitters: Uncertain significance (1). 1 of the submissions does not count toward it. Last evaluated 2023-10-01.

Conditions:
Retinal dystrophy. Also called: Inherited retinal dystrophy. Identifiers: Orphanet 71862, MedGen C0854723, MeSH D058499, MONDO:0019118, HP:0000556.
BBS2-related disorder. Also called: BBS2-related condition; BBS2-related disorders. Identifiers: MedGen CN239228.

Allele frequency attached by ClinVar (database versions not stated): gnomAD exomes below 0.00001; ExAC 0.00002; gnomAD 0.00003; TOPMed 0.00004; ESP Exome Variant Server 0.00008.
gnomAD v4.1: 8 of 1,614,032 alleles (0.0005%); highest among the groups gnomAD compares: African/African-American, 0.0053%; no homozygotes.

Submissions (2):

Dept Of Ophthalmology, Nagoya University
Classification: Uncertain significance for Retinal dystrophy. Last evaluated: 2023-10-01. Review status: criteria provided, single submitter. Criteria: Submitter's publication. Collection method: research. Allele origin: germline. Affected: yes.

PreventionGenetics, part of Exact Sciences
Classification: Uncertain significance for BBS2-related condition. Last evaluated: 2024-05-13. Review status: no assertion criteria provided. Collection method: clinical testing. Allele origin: germline. Not counted in ClinVar's aggregate classification.
Comment: The BBS2 c.824G>A variant is predicted to result in the amino acid substitution p.Arg275Gln. This variant was reported in one individual (1 allele) in a large cohort of individuals with retinitis pigmentosa (Supplementary Table S5, Koyanagi et al. 2019. PubMed ID: 31213501). This variant is reported in 0.012% of alleles in individuals of African descent in gnomAD. At this time, the clinical significance of this variant is uncertain due to the absence of conclusive functional and genetic evidence.

NM_031885.5(BBS2):c.824G>A (p.Arg275Gln)

Gene: BBS2 (Bardet-Biedl syndrome 2; minus strand). Cytogenetic location: 16q13.
Variant type: single nucleotide variant.
Coding change: c.824G>A on transcript NM_031885.5 (MANE Select); coding-DNA position 824, G replaced by A.
Protein change: p.Arg275Gln; replaces arginine 275 with glutamine.
Molecular consequence: missense variant. On other transcripts: non-coding transcript variant (5).
Genome position (GRCh38, 1-based): chr16:56,502,789, C>T on the plus strand (G>A on the coding strand, the complement: BBS2 is on the minus strand). VCF-style: chr16-56502789-C-T. GRCh37 (hg19) VCF-style: chr16-56536701-C-T.
Other names: c.824G>A, p.Arg275Gln (NM_001377456.1); c.824G>A (NM_031885.3); short protein forms R275Q.
Identifiers: ClinVar variation 3028362 (VCV003028362.2), dbSNP rs150572808, ClinGen allele CA8065906.
Genomic context (GRCh38, chr16:56,502,789, plus strand): 5'-CCCTCTACCACACCGGCAATTGCAGAAGAAAAATTGTCCTTAAAGATGACCTCCCCAGTT[C>T]GGTCACTTCGAGCATCAACCTACAAATAAAACACAAATTTAAAAGTTGCTTATGCTACAT-3'
Protein context (NP_114091.4, residues 265-285): SNGKVDARSD[Arg275Gln]TGEVIFKDNF